The following is an entry in ClinVar:

NM_004415.4(DSP):c.299A>G (p.Gln100Arg)

Gene: DSP (desmoplakin; plus strand). Cytogenetic location: 6p24.3.
Variant type: single nucleotide variant.
Coding change: c.299A>G on transcript NM_004415.4 (MANE Select); coding-DNA position 299, A replaced by G.
Protein change: p.Gln100Arg; replaces glutamine 100 with arginine.
Molecular consequence: missense variant.
Genome position (GRCh38, 1-based): chr6:7,558,141, A>G. VCF-style: chr6-7558141-A-G. GRCh37 (hg19) VCF-style: chr6-7558374-A-G.
Other names: c.299A>G, p.Gln100Arg (NM_001008844.3, NM_001319034.2, NM_001406591.1); short protein forms Q100R.
Identifiers: ClinVar variation 3071111 (VCV003071111.2), dbSNP rs772899657, ClinGen allele CA133949849.

ClinVar aggregate classification (germline): Uncertain significance. Review status: criteria provided, multiple submitters, no conflicts (2 of 4 stars). 2 submissions from 2 submitters: Uncertain significance (2). Last evaluated 2025-08-06.

Conditions:
Arrhythmogenic cardiomyopathy with wooly hair and keratoderma. Also called: PALMOPLANTAR KERATODERMA WITH LEFT VENTRICULAR CARDIOMYOPATHY AND WOOLLY HAIR; Carvajal syndrome; Dilated cardiomyopathy with woolly hair and keratoderma; Arrhythmogenic cardiomyopathy with woolly hair and keratoderma. Identifiers: Orphanet 65282, MedGen C1854063, MONDO:0011581, OMIM 605676.
Cardiovascular phenotype. Identifiers: MedGen CN230736.

Allele frequency attached by ClinVar (database versions not stated): TOPMed 0.00002.

Submissions (2):

Ambry Genetics
Classification: Uncertain significance for Cardiovascular phenotype. Last evaluated: 2025-08-06. Review status: criteria provided, single submitter. Criteria: Ambry Variant Classification Scheme 2023. Collection method: clinical testing. Allele origin: germline.
Comment: The p.Q100R variant (also known as c.299A>G), located in coding exon 3 of the DSP gene, results from an A to G substitution at nucleotide position 299. The glutamine at codon 100 is replaced by arginine, an amino acid with highly similar properties. This amino acid position is conserved. In addition, the in silico prediction for this alteration is inconclusive. Based on the available evidence, the clinical significance of this variant remains unclear.

All of Us Research Program, National Institutes of Health
Classification: Uncertain significance for Arrhythmogenic cardiomyopathy with wooly hair and keratoderma. Last evaluated: 2023-05-16. Review status: criteria provided, single submitter. Criteria: ACMG Guidelines, 2015. Collection method: clinical testing. Allele origin: germline. Inheritance: Autosomal dominant inheritance. Observed: 1 variant allele, 1 heterozygote.
Comment: This missense variant replaces glutamine with arginine at codon 100 of the DSP protein. Computational prediction suggests that this variant may not impact protein structure and function (internally defined REVEL score threshold <= 0.5, PMID: 27666373). To our knowledge, functional studies have not been reported for this variant. This variant has not been reported in individuals affected with DSP-related disorders in the literature. This variant has not been identified in the general population by the Genome Aggregation Database (gnomAD). The available evidence is insufficient to determine the role of this variant in disease conclusively. Therefore, this variant is classified as a Variant of Uncertain Significance.

This study involves interpretation of variants in research participants for the purpose of population health screening. Participant phenotype was not available at the time of variant classification. Additional details can be found in publication PMID: 35346344, PMCID: PMC8962531